The following is an entry in ClinVar:

ClinVar aggregate classification (germline): Pathogenic (1 of 4 stars; one submission).

Conditions:
Cohen syndrome (COH1). Also called: PEPPER SYNDROME; Cutis verticis gyrata, retinitis pigmentosa, and sensorineural deafness. Identifiers: Orphanet 193, MedGen C0265223, MONDO:0008999, OMIM 216550.

Submission:

Labcorp Genetics (formerly Invitae), Labcorp
Classification: Pathogenic for Cohen syndrome. Last evaluated: 2021-09-14. Review status: criteria provided, single submitter. Criteria: Invitae Variant Classification Sherloc (09022015). Collection method: clinical testing. Allele origin: germline.
Comment: This variant is present in population databases (rs755827237, ExAC 0.001%). This sequence change creates a premature translational stop signal (p.Glu3950Alafs*41) in the VPS13B gene. While this is not anticipated to result in nonsense mediated decay, it is expected to disrupt the last 73 amino acid(s) of the VPS13B protein. This variant has not been reported in the literature in individuals affected with VPS13B-related conditions. For these reasons, this variant has been classified as Pathogenic. This variant disrupts a region of the VPS13B protein in which other variant(s) (p.Pro3969Leufs*41) have been determined to be pathogenic (PMID: 15141358). This suggests that this is a clinically significant region of the protein, and that variants that disrupt it are likely to be disease-causing.

Literature cited by the submitters: PubMed 15141358.

NM_152564.5(VPS13B):c.11774_11775del (p.Glu3925fs)

Gene: VPS13B (vacuolar protein sorting 13 homolog B; plus strand). Cytogenetic location: 8q22.2.
Variant type: Microsatellite.
Coding change: c.11774_11775del on transcript NM_152564.5 (MANE Select); coding-DNA positions 11774 to 11775, 2 bases deleted (AG; older notation c.11774_11775delAG).
Protein change: p.Glu3925fs; shifts the reading frame from glutamic acid 3925.
Molecular consequence: frameshift variant.
Genome position (GRCh38, 1-based): chr8:99,875,446-99,875,447, AG deleted; deleting any 2 consecutive bases within chr8:99,875,444-99,875,447 gives the same sequence; the c. name uses the placement nearest the transcript's 3' end. VCF-style (leftmost placement, unchanged base first): chr8-99875443-CAG-C. GRCh37 (hg19) VCF-style: chr8-100887671-CAG-C.
Other names: c.11849_11850del, p.Glu3950fs (NM_017890.5); short protein forms E3950fs, E3925fs.
Identifiers: ClinVar variation 1459332 (VCV001459332.6), dbSNP rs755827237, ClinGen allele CA4825344.